The following is an entry in ClinVar:

NM_002048.3(GAS1):c.643A>C (p.Lys215Gln)

Gene: GAS1 (growth arrest specific 1; minus strand). Cytogenetic location: 9q21.33.
Variant type: single nucleotide variant.
Coding change: c.643A>C on transcript NM_002048.3 (MANE Select); coding-DNA position 643, A replaced by C.
Protein change: p.Lys215Gln; replaces lysine 215 with glutamine.
Molecular consequence: missense variant.
Genome position (GRCh38, 1-based): chr9:86,946,137, T>G on the plus strand (A>C on the coding strand, the complement: GAS1 is on the minus strand). VCF-style: chr9-86946137-T-G. GRCh37 (hg19) VCF-style: chr9-89561052-T-G.
Other names: short protein forms K215Q.
Identifiers: ClinVar variation 2630582 (VCV002630582.1), dbSNP rs1265547559, ClinGen allele CA374015720.

ClinVar aggregate classification (germline): Uncertain significance (1 of 4 stars; one submission).

Conditions:
GAS1-related disorder. Also called: GAS1-related condition.

Submission:

PreventionGenetics, part of Exact Sciences
Classification: Uncertain significance for GAS1-related condition. Last evaluated: 2023-01-30. Review status: criteria provided, single submitter. Criteria: ACMG Guidelines, 2015. Collection method: clinical testing. Allele origin: germline.
Comment: The GAS1 c.643A>C variant is predicted to result in the amino acid substitution p.Lys215Gln. To our knowledge, this variant has not been reported in the literature or in a large population database, indicating this variant is rare. At this time, the clinical significance of this variant is uncertain due to the absence of conclusive functional and genetic evidence.